The following is an entry in ClinVar:

ClinVar aggregate classification (germline): Uncertain significance (1 of 4 stars; one submission).

Conditions:
Hereditary pancreatitis (PCTT). Also called: Hereditary chronic pancreatitis; PRSS1-Related Hereditary Pancreatitis. Identifiers: Orphanet 676, MedGen C0238339, MONDO:0008185, OMIM 167800.

Allele frequency attached by ClinVar (database versions not stated): 1000 Genomes Project 30x 0.35041.

Submission:

Ambry Genetics
Classification: Uncertain significance for Hereditary pancreatitis. Last evaluated: 2025-11-30. Review status: criteria provided, single submitter. Criteria: Ambry Variant Classification Scheme 2023. Collection method: clinical testing. Allele origin: germline.
Comment: The p.N182K variant (also known as c.546C>G), located in coding exon 4 of the PRSS1 gene, results from a C to G substitution at nucleotide position 546. The asparagine at codon 182 is replaced by lysine, an amino acid with similar properties. This amino acid position is conserved. In addition, the in silico prediction for this alteration is inconclusive. Since supporting evidence is limited at this time, the clinical significance of this alteration remains unclear.

NM_002769.5(PRSS1):c.546C>G (p.Asn182Lys)

Genes: PRSS1 (serine protease 1; plus strand), TRB (T cell receptor beta locus; plus strand). Cytogenetic location: 7q34.
Variant type: single nucleotide variant.
Coding change: c.546C>G on transcript NM_002769.5 (MANE Select); coding-DNA position 546, C replaced by G.
Protein change: p.Asn182Lys; replaces asparagine 182 with lysine.
Molecular consequence: missense variant. On other transcripts: non-coding transcript variant (5).
Genome position (GRCh38, 1-based): chr7:142,752,522, C>G. VCF-style: chr7-142752522-C-G. GRCh37 (hg19) VCF-style: chr7-142460373-C-G.
Other names: short protein forms N182K.
Identifiers: ClinVar variation 1747711 (VCV001747711.3), dbSNP rs1348773645, ClinGen allele CA369610322.